The following is an entry in ClinVar:

NM_022829.6(SLC13A3):c.857T>C (p.Met286Thr)

Gene: SLC13A3 (solute carrier family 13 member 3; minus strand). Cytogenetic location: 20q13.12.
Variant type: single nucleotide variant.
Coding change: c.857T>C on transcript NM_022829.6 (MANE Select); coding-DNA position 857, T replaced by C.
Protein change: p.Met286Thr; replaces methionine 286 with threonine.
Molecular consequence: missense variant. On other transcripts: intron variant (1).
Genome position (GRCh38, 1-based): chr20:46,592,467, A>G on the plus strand (T>C on the coding strand, the complement: SLC13A3 is on the minus strand). VCF-style: chr20-46592467-A-G. GRCh37 (hg19) VCF-style: chr20-45221106-A-G.
Other names: c.716T>C, p.Met239Thr (NM_001011554.3, NM_001193340.2); c.563T>C, p.Met188Thr (NM_001193342.2); c.728-21T>C (NM_001193339.2); short protein forms M188T, M239T, M286T.
Identifiers: ClinVar variation 1910682 (VCV001910682.5), dbSNP rs181492581, ClinGen allele CA9891494.

ClinVar aggregate classification (germline): Uncertain significance (1 of 4 stars; one submission).

Allele frequency attached by ClinVar (database versions not stated): gnomAD exomes 0.00002; TOPMed 0.00003; gnomAD 0.00004; ExAC 0.00007; 1000 Genomes Project 0.00040; 1000 Genomes Project 30x 0.00047.
gnomAD v4.1: 43 of 1,614,036 alleles (0.0027%); highest among the groups gnomAD compares: East Asian, 0.087%; no homozygotes.

Submission:

Labcorp Genetics (formerly Invitae), Labcorp
Classification: Uncertain significance. Last evaluated: 2023-03-07. Review status: criteria provided, single submitter. Criteria: Invitae Variant Classification Sherloc (09022015). Collection method: clinical testing. Allele origin: germline.
Comment: This variant has not been reported in the literature in individuals affected with SLC13A3-related conditions. This variant is present in population databases (rs181492581, gnomAD 0.1%), and has an allele count higher than expected for a pathogenic variant. This sequence change replaces methionine, which is neutral and non-polar, with threonine, which is neutral and polar, at codon 286 of the SLC13A3 protein (p.Met286Thr). ClinVar contains an entry for this variant (Variation ID: 1910682). In summary, the available evidence is currently insufficient to determine the role of this variant in disease. Therefore, it has been classified as a Variant of Uncertain Significance. Advanced modeling of protein sequence and biophysical properties (such as structural, functional, and spatial information, amino acid conservation, physicochemical variation, residue mobility, and thermodynamic stability) performed at Invitae indicates that this missense variant is not expected to disrupt SLC13A3 protein function.